The following is an entry in ClinVar:

ClinVar aggregate classification (germline): Uncertain significance (1 of 4 stars; one submission).

Conditions:
Cardiovascular phenotype. Identifiers: MedGen CN230736.

Allele frequency attached by ClinVar (database versions not stated): gnomAD exomes 0.00001.
gnomAD v4.1: 10 of 1,539,760 alleles (0.00065%); highest among the groups gnomAD compares: Non-Finnish European, 0.00088%; no homozygotes.

Submission:

Ambry Genetics
Classification: Uncertain significance for Cardiovascular phenotype. Last evaluated: 2023-03-27. Review status: criteria provided, single submitter. Criteria: Ambry Variant Classification Scheme 2023. Collection method: clinical testing. Allele origin: germline.
Comment: The p.A3450T variant (also known as c.10348G>A), located in coding exon 2 of the ZNF469 gene, results from a G to A substitution at nucleotide position 10348. The alanine at codon 3450 is replaced by threonine, an amino acid with similar properties. This amino acid position is conserved. In addition, this alteration is predicted to be tolerated by in silico analysis. Since supporting evidence is limited at this time, the clinical significance of this alteration remains unclear.

NM_001367624.2(ZNF469):c.10432G>A (p.Ala3478Thr)

Gene: ZNF469 (zinc finger protein 469; plus strand). Cytogenetic location: 16q24.2.
Variant type: single nucleotide variant.
Coding change: c.10432G>A on transcript NM_001367624.2 (MANE Select); coding-DNA position 10432, G replaced by A.
Protein change: p.Ala3478Thr; replaces alanine 3478 with threonine.
Molecular consequence: missense variant.
Genome position (GRCh38, 1-based): chr16:88,437,902, G>A. VCF-style: chr16-88437902-G-A. GRCh37 (hg19) VCF-style: chr16-88504310-G-A.
Other names: NM_001127464.1:c.10348G>A; short protein forms A3478T.
Identifiers: ClinVar variation 2564212 (VCV002564212.2), dbSNP rs1028105171, ClinGen allele CA286386709.